The following is an entry in ClinVar:

ClinVar aggregate classification (germline): Likely pathogenic (1 of 4 stars; one submission).

Conditions:
Glycogen phosphorylase kinase deficiency. Also called: Phosphorylase Kinase Deficiency; Glycogen Storage Disease Type IX. Identifiers: Orphanet 370, MedGen C0268147, MONDO:0700291.

Submission:

Women's Health and Genetics/Laboratory Corporation of America, LabCorp
Classification: Likely pathogenic for Glycogen phosphorylase kinase deficiency. Last evaluated: 2022-10-18. Review status: criteria provided, single submitter. Criteria: LabCorp Variant Classification Summary - May 2015. Collection method: clinical testing. Allele origin: germline.
Comment: Variant summary: The variant identified by MLPA or other technology involves the deletion of exons 30, 31 and part of exon 32 (i.e. the last exon) in the PHKA1 gene. A presumed nomenclature of c.3244-155_3618del3402 has been designated for the purposes of this classification. This variant is expected to result in a large deletion change in the PHKA1 gene, removing part of the C-terminal domain (IPR045583) of the encoded protein. The variant was absent in 16120 control chromosomes (gnomAD, Structural Variants dataset). To our knowledge, no occurrence of c.3244-155_3618del3402 in individuals affected with Glycogen Phosphorylase Kinase Deficiency and no experimental evidence demonstrating its impact on protein function have been reported. No clinical diagnostic laboratories have submitted clinical-significance assessments for this variant to ClinVar after 2014. Based on the evidence outlined above, the variant was classified as likely pathogenic.

NM_002637.4(PHKA1):c.3244-155_3618del

Gene: PHKA1 (phosphorylase kinase regulatory subunit alpha 1; minus strand). Cytogenetic location: Xq13.1.
Variant type: Deletion.
Coding change: c.3244-155_3618del on transcript NM_002637.4 (MANE Select); 155 bases into the intron before coding-DNA position 3244 through coding-DNA position 3618, 3,402 bases deleted.
Molecular consequence: splice acceptor variant, splice donor variant.
Genome position (GRCh38, 1-based): chrX:72,581,056-72,584,457, 3,402 bases deleted. GRCh37 (hg19): chrX:71,800,906-71,804,307.
Other names: c.3028-155_3402del (NM_001172436.2); c.3205-155_3579del (NM_001122670.2).
Identifiers: ClinVar variation 1804872 (VCV001804872.1), ClinGen allele CA2580101365.